The following is an entry in ClinVar:

NM_018699.4(PRDM5):c.111C>G (p.Pro37=)

Gene: PRDM5 (PR/SET domain 5; minus strand). Cytogenetic location: 4q27.
Variant type: single nucleotide variant.
Coding change: c.111C>G on transcript NM_018699.4 (MANE Select); coding-DNA position 111, C replaced by G.
Protein change: p.Pro37=; no amino-acid change (proline 37 retained).
Molecular consequence: synonymous variant.
Genome position (GRCh38, 1-based): chr4:120,907,540, G>C on the plus strand (C>G on the coding strand, the complement: PRDM5 is on the minus strand). VCF-style: chr4-120907540-G-C. GRCh37 (hg19) VCF-style: chr4-121828695-G-C.
Other names: c.111C>G, p.Pro37= (NM_001300823.2, NM_001300824.2, NM_001379104.1 and 1 more transcripts).
Identifiers: ClinVar variation 3009690 (VCV003009690.19), dbSNP rs756977753, ClinGen allele CA3061497.

ClinVar aggregate classification (germline): Likely benign. Review status: criteria provided, multiple submitters, no conflicts (2 of 4 stars). 2 submissions from 2 submitters: Likely benign (2). Last evaluated 2024-08-01.

Allele frequency attached by ClinVar (database versions not stated): ExAC 0.00001; TOPMed 0.00002.
gnomAD v4.1: 6 of 1,612,016 alleles (0.00037%); highest among the groups gnomAD compares: Middle Eastern, 0.066%; no homozygotes.

Submissions (2):

CeGaT Center for Human Genetics Tuebingen
Classification: Likely benign. Last evaluated: 2024-08-01. Review status: criteria provided, single submitter. Criteria: CeGaT Center For Human Genetics Tuebingen Variant Classification Criteria Version 2. Collection method: clinical testing. Allele origin: germline. Affected: yes. Observed: 1 variant allele.
Comment: PRDM5: BP4, BP7

Labcorp Genetics (formerly Invitae), Labcorp
Classification: Likely benign. Last evaluated: 2023-12-31. Review status: criteria provided, single submitter. Criteria: Invitae Variant Classification Sherloc (09022015). Collection method: clinical testing. Allele origin: germline.